The following is an entry in ClinVar:

ClinVar aggregate classification (germline): Likely benign. Review status: criteria provided, multiple submitters, no conflicts (2 of 4 stars). 3 submissions from 3 submitters: Likely benign (3). Last evaluated 2025-11-08.

Conditions:
Glycogen storage disease, type VII (GSD7). Also called: MUSCLE PHOSPHOFRUCTOKINASE DEFICIENCY; PFKM DEFICIENCY; TARUI DISEASE; GSD VII. Identifiers: Orphanet 371, MedGen C0017926, MONDO:0009295, OMIM 232800.

Allele frequency attached by ClinVar (database versions not stated): gnomAD exomes 0.00002 and 0.00008; ExAC 0.00007.
gnomAD v4.1: 27 of 1,613,972 alleles (0.0017%); highest among the groups gnomAD compares: Admixed American, 0.04%; no homozygotes.

Submissions (3):

Labcorp Genetics (formerly Invitae), Labcorp
Classification: Likely benign for Glycogen storage disease, type VII. Last evaluated: 2025-11-08. Review status: criteria provided, single submitter. Criteria: Invitae Variant Classification Sherloc (09022015). Collection method: clinical testing. Allele origin: germline.

ARUP Laboratories, Molecular Genetics and Genomics, ARUP Laboratories
Classification: Likely benign for Glycogen storage disease, type VII. Last evaluated: 2020-11-18. Review status: criteria provided, single submitter. Criteria: ARUP Molecular Germline Variant Investigation Process 2021. Collection method: clinical testing. Allele origin: germline.

GeneDx
Classification: Likely benign. Last evaluated: 2016-10-28. Review status: criteria provided, single submitter. Criteria: GeneDx Variant Classification (06012015). Collection method: clinical testing. Allele origin: germline. Affected: yes.
Comment: This variant is considered likely benign or benign based on one or more of the following criteria: it is a conservative change, it occurs at a poorly conserved position in the protein, it is predicted to be benign by multiple in silico algorithms, and/or has population frequency not consistent with disease.

NM_000289.6(PFKM):c.1501-15C>T

Gene: PFKM (phosphofructokinase, muscle; plus strand). Cytogenetic location: 12q13.11.
Variant type: single nucleotide variant.
Coding change: c.1501-15C>T on transcript NM_000289.6 (MANE Select); 15 bases into the intron before coding-DNA position 1501, C replaced by T.
Molecular consequence: intron variant.
Genome position (GRCh38, 1-based): chr12:48,141,899, C>T. VCF-style: chr12-48141899-C-T. GRCh37 (hg19) VCF-style: chr12-48535682-C-T.
Other names: c.1810-15C>T (NM_001354735.1, NM_001354736.1); c.1714-15C>T (NM_001354739.1, NM_001354738.1, NM_001166686.2 and 1 more transcripts); c.1645-15C>T (NM_001354740.1); c.1501-15C>T (NM_001354744.2, NM_001166688.2, NM_001354742.2 and 2 more transcripts); c.1414-15C>T (NM_001354745.2); c.1375-15C>T (NM_001354746.2); c.1408-15C>T (NM_001363619.2); c.1351-15C>T (NM_001354748.2, NM_001354747.2); and 1 more.
Identifiers: ClinVar variation 390093 (VCV000390093.12), dbSNP rs756212415, ClinGen allele CA6537385.
Genomic context (GRCh38, chr12:48,141,899, plus strand): 5'-CCACCATTTCTTCCTCTCTCCCTCCTACCTCCTCTCCCTCTCCCCAATCCTGCCCTTGTG[C>T]TCTCTTCTTCTTAGGCTTACACAGGGGGCCTGGAACTGATGGAGGGCAGGAAGCAGTTTG-3'